The following is an entry in ClinVar:

NM_006767.4(LZTR1):c.1330G>A (p.Asp444Asn)

Gene: LZTR1 (leucine zipper like post translational regulator 1; plus strand). Cytogenetic location: 22q11.21.
Variant type: single nucleotide variant.
Coding change: c.1330G>A on transcript NM_006767.4 (MANE Select); coding-DNA position 1330, G replaced by A.
Protein change: p.Asp444Asn; replaces aspartic acid 444 with asparagine.
Molecular consequence: missense variant.
Genome position (GRCh38, 1-based): chr22:20,993,731, G>A. VCF-style: chr22-20993731-G-A. GRCh37 (hg19) VCF-style: chr22-21348020-G-A.
Other names: short protein forms D444N.
Identifiers: ClinVar variation 1055416 (VCV001055416.19), dbSNP rs775051211, ClinGen allele CA10118815.

ClinVar aggregate classification (germline): Conflicting classifications of pathogenicity. Review status: criteria provided, conflicting classifications (1 of 4 stars). 8 submissions from 8 submitters: Pathogenic (1); Likely pathogenic (2); Uncertain significance (5). Last evaluated 2026-02-06.

Conditions:
Hereditary cancer-predisposing syndrome. Also called: Hereditary Cancer Syndrome; Tumor predisposition; Hereditary neoplastic syndrome; Neoplastic Syndromes, Hereditary. Identifiers: Orphanet 140162, MedGen C0027672, MeSH D009386, MONDO:0015356.
Cardiovascular phenotype. Identifiers: MedGen CN230736.
Noonan syndrome 2 (NS2). Identifiers: Orphanet 648, MedGen C1854469, MONDO:0011531, OMIM 605275.
LZTR1-related schwannomatosis. Also called: Schwannomatosis 2; Schwannomatosis-2, susceptibility to. Identifiers: Orphanet 93921, MedGen C3810283, MONDO:0014299, OMIM 615670.

Allele frequency attached by ClinVar (database versions not stated): TOPMed 0.00004; ExAC 0.00001; gnomAD 0.00001; gnomAD exomes 0.00001.
gnomAD v4.1: 19 of 1,613,312 alleles (0.0012%); highest among the groups gnomAD compares: Non-Finnish European, 0.0014%; no homozygotes.

Submissions (8):

Dasa
Classification: Likely pathogenic. Last evaluated: 2026-02-06. Review status: criteria provided, single submitter. Criteria: DASA Assertion Criteria. Collection method: clinical testing. Allele origin: germline.
Comment: NM_006767.4(LZTR1):c.1330G>A (p.Asp444Asn) is a missense variant that results in the substitution of aspartic acid with asparagine. Segregation data support an association with disease in the reported family/families (PMID: 32004086). This variant has been reported in individuals with LZTR1-related disorders (PMID: 32004086). Also, this variant is rare in population databases. Computational evidence supports a deleterious effect. Based on the currently available evidence, this variant is classified as likely pathogenic.

Labcorp Genetics (formerly Invitae), Labcorp
Classification: Pathogenic. Last evaluated: 2025-12-21. Review status: criteria provided, single submitter. Criteria: Invitae Variant Classification Sherloc (09022015). Collection method: clinical testing. Allele origin: germline.
Comment: This sequence change replaces aspartic acid, which is acidic and polar, with asparagine, which is neutral and polar, at codon 444 of the LZTR1 protein (p.Asp444Asn). This variant is present in population databases (rs775051211, gnomAD 0.003%). This missense change has been observed in individual(s) with clinical features of autosomal recessive LZTR1-related disease (PMID: 32004086; internal data). In at least one individual the data is consistent with being in trans (on the opposite chromosome) from a pathogenic variant. It has also been observed to segregate with disease in related individuals. ClinVar contains an entry for this variant (Variation ID: 1055416). Invitae Evidence Modeling of protein sequence and biophysical properties (such as structural, functional, and spatial information, amino acid conservation, physicochemical variation, residue mobility, and thermodynamic stability) indicates that this missense variant is not expected to disrupt LZTR1 protein function with a negative predictive value of 80%. For these reasons, this variant has been classified as Pathogenic.

Variantyx, Inc.
Classification: Likely pathogenic for Noonan syndrome 2. Last evaluated: 2025-06-27. Review status: criteria provided, single submitter. Criteria: Variantyx Assertion Criteria 2022. Collection method: clinical testing. Allele origin: germline. Inheritance: Autosomal recessive inheritance. Affected: no.
Comment: This is a nonsynonymous variant in the LZTR1 gene (OMIM: 600574). Pathogenic variants in this gene have been associated with autosomal recessive Noonan syndrome 2. This variant has been observed to segregate with disease in trans in at least 2 individuals from one family (PMID: 32004086) (PM3_Strong). Multiple computational algorithms predict a deleterious effect for this variant (REVEL score: 0.802) (PP3_Strong). The maximum allele frequency in non-founder control populations of this variant is 0.0014% (PM2). Based on the current evidence, this variant is classified as likely pathogenic for autosomal recessive Noonan syndrome 2.

Ambry Genetics
Classification: Uncertain significance for Cardiovascular phenotype; Hereditary cancer-predisposing syndrome. Last evaluated: 2025-05-15. Review status: criteria provided, single submitter. Criteria: Ambry Variant Classification Scheme 2023. Collection method: clinical testing. Allele origin: germline.
Comment: The p.D444N variant (also known as c.1330G>A), located in coding exon 12 of the LZTR1 gene, results from a G to A substitution at nucleotide position 1330. The aspartic acid at codon 444 is replaced by asparagine, an amino acid with highly similar properties. This variant has been identified in conjunction with other LZTR1 variant(s) in individual(s), but clinical details were limited (Jenkins J et al. Circ Genom Precis Med, 2020 04;13:e002690; personal communication). This amino acid position is highly conserved in available vertebrate species. In addition, the in silico prediction for this alteration is inconclusive. Based on the available evidence, the clinical significance of this variant remains unclear.

Revvity Omics, Revvity
Classification: Uncertain significance. Last evaluated: 2024-05-06. Review status: criteria provided, single submitter. Criteria: ACMG Guidelines, 2015. Collection method: clinical testing. Allele origin: germline.

Genomic Medicine Center of Excellence, King Faisal Specialist Hospital and Research Centre
Classification: Uncertain significance for LZTR1-related schwannomatosis. Last evaluated: 2024-04-04. Review status: criteria provided, single submitter. Criteria: ACMG Guidelines, 2015. Collection method: clinical testing. Allele origin: germline.

Baylor Genetics
Classification: Uncertain significance for LZTR1-related schwannomatosis. Last evaluated: 2024-01-26. Review status: criteria provided, single submitter. Criteria: ACMG Guidelines, 2015. Collection method: clinical testing. Allele origin: unknown.

Blueprint Genetics
Classification: Uncertain significance. Last evaluated: 2022-11-15. Review status: criteria provided, single submitter. Criteria: ACMG Guidelines, 2015. Collection method: clinical testing. Allele origin: germline.

Literature cited by the submitters: PubMed 32004086 (cited by 4 submitters).